The following is an entry in ClinVar:

ClinVar aggregate classification (germline): Conflicting classifications of pathogenicity. Review status: criteria provided, conflicting classifications (1 of 4 stars). 7 submissions from 7 submitters: Uncertain significance (6); Benign (1). Last evaluated 2026-08-14.

Conditions:
DSP-related disorder. Also called: DSP-related disorders; DSP-related condition.
Cardiovascular phenotype. Identifiers: MedGen CN230736.
Cardiomyopathy, dilated, with wooly hair, keratoderma, and tooth agenesis. Also called: Cardiomyopathy, dilated, with woolly hair, keratoderma, and tooth agenesis; Erythrokeratodermia-cardiomyopathy syndrome. Identifiers: Orphanet 476096, Orphanet 65282, MedGen C4014393, MONDO:0014355, OMIM 615821.
Lethal acantholytic epidermolysis bullosa (EBLA). Identifiers: Orphanet 158687, MedGen C1864826, MONDO:0012323, OMIM 609638.
Arrhythmogenic cardiomyopathy with wooly hair and keratoderma. Also called: PALMOPLANTAR KERATODERMA WITH LEFT VENTRICULAR CARDIOMYOPATHY AND WOOLLY HAIR; Carvajal syndrome; Arrhythmogenic cardiomyopathy with woolly hair and keratoderma; Dilated cardiomyopathy with woolly hair and keratoderma. Identifiers: Orphanet 65282, MedGen C1854063, MONDO:0011581, OMIM 605676.
Keratosis palmoplantaris striata 2. Also called: KERATODERMA, PALMOPLANTAR, STRIATE FORM II; STRIATE PALMOPLANTAR KERATODERMA II; Keratosis palmoplantaris striata II. Identifiers: MedGen C1852127, MONDO:0013034, OMIM 612908.
Arrhythmogenic right ventricular dysplasia 8 (ARVD8). Also called: ARRHYTHMOGENIC RIGHT VENTRICULAR DYSPLASIA, FAMILIAL, 8; ARRHYTHMOGENIC RIGHT VENTRICULAR CARDIOMYOPATHY 8; Arrhythmogenic Right Ventricular Dysplasia/Cardiomyopathy 8. Identifiers: MedGen C1843896, MONDO:0011831, OMIM 607450.
Cardiomyopathy (CMYO). Also called: Cardiomyopathies. Identifiers: Orphanet 167848, MedGen C0878544, MONDO:0004994, HP:0001638. Inheritance: Various modes of inheritance.

Allele frequency attached by ClinVar (database versions not stated): TOPMed 0.00005; gnomAD 0.00007 and 0.00008.
gnomAD v4.1: 20 of 1,583,140 alleles (0.0013%); highest among the groups gnomAD compares: African/African-American, 0.026%; no homozygotes.

Submissions (7):

PreventionGenetics, part of Exact Sciences
Classification: Uncertain significance for DSP-related condition. Last evaluated: 2026-08-14. Review status: criteria provided, single submitter. Criteria: ACMG Guidelines, 2015. Collection method: clinical testing. Allele origin: germline.
Comment: The DSP c.107G>C variant is predicted to result in the amino acid substitution p.Gly36Ala. This variant has been reported in a pediatric patient with dilated cardiomyopathy and ventricular arrhythmia who also carried additional cardiac variants, including a pathogenic loss-of-function TTN variant (Tables S2 and S4, Khan et al. 2021. PubMed ID: 34935411). This variant is reported in 0.031% of alleles in individuals of African descent in gnomAD and has conflicting interpretations regarding its pathogenicity in ClinVar, ranging from benign to uncertain (Variation ID: 421184). At this time, the clinical significance of this variant is uncertain due to the absence of conclusive functional and genetic evidence.

Labcorp Genetics (formerly Invitae), Labcorp
Classification: Benign for Arrhythmogenic cardiomyopathy with wooly hair and keratoderma; Arrhythmogenic right ventricular dysplasia 8. Last evaluated: 2026-02-02. Review status: criteria provided, single submitter. Criteria: Invitae Variant Classification Sherloc (09022015). Collection method: clinical testing. Allele origin: germline.

GeneDx
Classification: Uncertain significance. Last evaluated: 2025-08-12. Review status: criteria provided, single submitter. Criteria: GeneDx Variant Classification Process June 2021. Collection method: clinical testing. Allele origin: germline. Affected: yes.
Comment: Has not been previously published as pathogenic or benign to our knowledge; In silico analysis suggests that this missense variant does not alter protein structure/function

Ambry Genetics
Classification: Uncertain significance for Cardiovascular phenotype. Last evaluated: 2024-03-08. Review status: criteria provided, single submitter. Criteria: Ambry Variant Classification Scheme 2023. Collection method: clinical testing. Allele origin: germline.
Comment: The p.G36A variant (also known as c.107G>C), located in coding exon 1 of the DSP gene, results from a G to C substitution at nucleotide position 107. The glycine at codon 36 is replaced by alanine, an amino acid with similar properties. This amino acid position is conserved. In addition, this alteration is predicted to be tolerated by in silico analysis. Since supporting evidence is limited at this time, the clinical significance of this alteration remains unclear.

All of Us Research Program, National Institutes of Health
Classification: Uncertain significance for Arrhythmogenic cardiomyopathy with wooly hair and keratoderma. Last evaluated: 2024-02-22. Review status: criteria provided, single submitter. Criteria: ACMG Guidelines, 2015. Collection method: clinical testing. Allele origin: germline. Inheritance: Autosomal dominant inheritance. Observed: 6 variant alleles, 6 heterozygotes.
Comment: This missense variant replaces glycine with alanine at codon 36 of the DSP protein. Computational prediction suggests that this variant may not impact protein structure and function (internally defined REVEL score threshold <= 0.5, PMID: 27666373). To our knowledge, functional studies have not been reported for this variant. This variant has not been reported in an individual affected with dilated cardiomyopathy, who also carried a pathogenic variant in the TTN gene (PMID: 34935411). This variant has been identified in 7/219058 chromosomes in the general population by the Genome Aggregation Database (gnomAD). The available evidence is insufficient to determine the role of this variant in disease conclusively. Therefore, this variant is classified as a Variant of Uncertain Significance.

This study involves interpretation of variants in research participants for the purpose of population health screening. Participant phenotype was not available at the time of variant classification. Additional details can be found in publication PMID: 35346344, PMCID: PMC8962531

Color Diagnostics, LLC DBA Color Health
Classification: Uncertain significance for Cardiomyopathy. Last evaluated: 2023-04-25. Review status: criteria provided, single submitter. Criteria: ACMG Guidelines, 2015. Collection method: clinical testing. Allele origin: germline.
Comment: This missense variant replaces glycine with alanine at codon 36 of the DSP protein. Computational prediction suggests that this variant may not impact protein structure and function (internally defined REVEL score threshold <= 0.5, PMID: 27666373). To our knowledge, functional studies have not been reported for this variant. This variant has not been reported in an individual affected with dilated cardiomyopathy, who also carried a pathogenic variant in the TTN gene (PMID: 34935411). This variant has been identified in 7/219058 chromosomes in the general population by the Genome Aggregation Database (gnomAD). The available evidence is insufficient to determine the role of this variant in disease conclusively. Therefore, this variant is classified as a Variant of Uncertain Significance.

Center for Genomics, Ann and Robert H. Lurie Children's Hospital of Chicago
Classification: Uncertain significance for Arrhythmogenic right ventricular dysplasia 8; Lethal acantholytic epidermolysis bullosa; Keratosis palmoplantaris striata 2; Cardiomyopathy, dilated, with wooly hair, keratoderma, and tooth agenesis; Arrhythmogenic cardiomyopathy with wooly hair and keratoderma. Review status: criteria provided, single submitter. Criteria: ACMG Guidelines, 2015. Collection method: clinical testing. Allele origin: germline.
Comment: DSP NM_004415.3 exon 1 p.Gly36Ala (c.107G>C): This variant has not been reported in the literature and is present in 0.03% (6/19378) of African alleles in the Genome Aggregation Database. This variant is present in ClinVar (Variation ID:421184). Evolutionary conservation and computational predictive tools for this variant are unclear. In summary, data on this variant is insufficient for disease classification. Therefore, the clinical significance of this variant is uncertain

Literature cited by the submitters: PubMed 34935411 (cited by All of Us Research Program, National Institutes of Health and Color Diagnostics, LLC DBA Color Health).

NM_004415.4(DSP):c.107G>C (p.Gly36Ala)

Genes: DSP (desmoplakin; plus strand), DSP-AS1 (DSP antisense RNA 1; minus strand). Cytogenetic location: 6p24.3.
Variant type: single nucleotide variant.
Coding change: c.107G>C on transcript NM_004415.4 (MANE Select); coding-DNA position 107, G replaced by C.
Protein change: p.Gly36Ala; replaces glycine 36 with alanine.
Molecular consequence: missense variant.
Genome position (GRCh38, 1-based): chr6:7,542,022, G>C. VCF-style: chr6-7542022-G-C. GRCh37 (hg19) VCF-style: chr6-7542255-G-C.
Other names: c.107G>C (LRG_423t1, NM_004415.3); c.107G>C, p.Gly36Ala (NM_001008844.3, NM_001319034.2); short protein forms G36A.
Identifiers: ClinVar variation 421184 (VCV000421184.23), dbSNP rs778506459, ClinGen allele CA026931.